The following is an entry in ClinVar:

ClinVar aggregate classification (germline): Likely benign. Review status: criteria provided, multiple submitters, no conflicts (2 of 4 stars). 2 submissions from 2 submitters: Likely benign (2). Last evaluated 2024-04-05.

Conditions:
Seizures, benign familial infantile, 3 (BFIS3). Also called: CONVULSIONS, BENIGN FAMILIAL INFANTILE, 3; Familial neonatal seizures. Identifiers: Orphanet 140927, Orphanet 306, MedGen C1843140, MONDO:0011904, OMIM 607745.
Developmental and epileptic encephalopathy, 11 (DEE11). Also called: Early infantile epileptic encephalopathy 11. Identifiers: Orphanet 1934, MedGen C3150987, MONDO:0013388, OMIM 613721.

Allele frequency attached by ClinVar (database versions not stated): gnomAD below 0.00001 and 0.00001; TOPMed 0.00001; gnomAD exomes 0.00002.
gnomAD v4.1: 36 of 1,613,498 alleles (0.0022%); highest among the groups gnomAD compares: South Asian, 0.04%; no homozygotes.

Submissions (2):

Labcorp Genetics (formerly Invitae), Labcorp
Classification: Likely benign for Seizures, benign familial infantile, 3; Developmental and epileptic encephalopathy, 11. Last evaluated: 2024-04-05. Review status: criteria provided, single submitter. Criteria: Invitae Variant Classification Sherloc (09022015). Collection method: clinical testing. Allele origin: germline.

Illumina Laboratory Services, Illumina
Classification: Likely benign for Seizures, benign familial infantile, 3. Last evaluated: 2018-01-13. Review status: criteria provided, single submitter. Criteria: ICSL Variant Classification Criteria 13 December 2019. Collection method: clinical testing. Allele origin: germline.
Comment: This variant was observed in the ICSL laboratory as part of a predisposition screen in an ostensibly healthy population. It had not been previously curated by ICSL or reported in the Human Gene Mutation Database (HGMD: prior to June 1st, 2018), and was therefore a candidate for classification through an automated scoring system. Utilizing variant allele frequency, disease prevalence and penetrance estimates, and inheritance mode, an automated score was calculated to assess if this variant is too frequent to cause the disease. Based on the score and internal cut-off values, a variant classified as likely benign is not then subjected to further curation. The score for this variant resulted in a classification of likely benign for this disease.

NM_001040142.2(SCN2A):c.681A>G (p.Thr227=)

Gene: SCN2A (sodium voltage-gated channel alpha subunit 2; plus strand). Cytogenetic location: 2q24.3.
Variant type: single nucleotide variant.
Coding change: c.681A>G on transcript NM_001040142.2 (MANE Select); coding-DNA position 681, A replaced by G.
Protein change: p.Thr227=; no amino-acid change (threonine 227 retained).
Molecular consequence: synonymous variant. On other transcripts: intron variant (2).
Genome position (GRCh38, 1-based): chr2:165,309,427, A>G. VCF-style: chr2-165309427-A-G. GRCh37 (hg19) VCF-style: chr2-166165937-A-G.
Other names: c.681A>G, p.Thr227= (NM_001371247.1, NM_021007.3); c.697+171A>G (NM_001040143.2, NM_001371246.1).
Identifiers: ClinVar variation 893653 (VCV000893653.12), dbSNP rs2228987, ClinGen allele CA1939672.